The following is an entry in ClinVar:

NM_000540.3(RYR1):c.7442A>G (p.Lys2481Arg)

Gene: RYR1 (ryanodine receptor 1; plus strand). Cytogenetic location: 19q13.2.
Variant type: single nucleotide variant.
Coding change: c.7442A>G on transcript NM_000540.3 (MANE Select); coding-DNA position 7442, A replaced by G.
Protein change: p.Lys2481Arg; replaces lysine 2481 with arginine.
Molecular consequence: missense variant.
Genome position (GRCh38, 1-based): chr19:38,500,724, A>G. VCF-style: chr19-38500724-A-G. GRCh37 (hg19) VCF-style: chr19-38991364-A-G.
Other names: c.7442A>G, p.Lys2481Arg (NM_001042723.2); short protein forms K2481R.
Identifiers: ClinVar variation 1303853 (VCV001303853.2), dbSNP rs2145605367, ClinGen allele CA405670205.

ClinVar aggregate classification (germline): Uncertain significance (1 of 4 stars; one submission).

Allele frequency attached by ClinVar (database versions not stated): gnomAD exomes below 0.00001.
gnomAD v4.1: 1 of 1,614,140 alleles (0.000062%); highest among the groups gnomAD compares: East Asian, 0.0022%; no homozygotes.

Submission:

GeneDx
Classification: Uncertain significance. Last evaluated: 2020-06-09. Review status: criteria provided, single submitter. Criteria: GeneDx Variant Classification Process June 2021. Collection method: clinical testing. Allele origin: germline. Affected: yes.
Comment: Not observed in large population cohorts (Lek et al., 2016); In silico analysis supports that this missense variant has a deleterious effect on protein structure/function; In-silico analysis, which includes splice predictors and evolutionary conservation, is inconclusive as to whether the variant alters gene splicing. In the absence of RNA/functional studies, the actual effect of this sequence change is unknown.; Has not been previously published as pathogenic or benign to our knowledge